The following is an entry in ClinVar:

ClinVar aggregate classification (germline): Uncertain significance (1 of 4 stars; one submission).

Submission:

GeneDx
Classification: Uncertain significance. Last evaluated: 2025-08-04. Review status: criteria provided, single submitter. Criteria: GeneDx Variant Classification Process June 2021. Collection method: clinical testing. Allele origin: germline. Affected: yes.
Comment: In silico analysis suggests that this missense variant does not alter protein structure/function; Has not been previously published as pathogenic or benign to our knowledge

NM_001142784.3(IL11RA):c.799G>A (p.Ala267Thr)

Gene: IL11RA (interleukin 11 receptor subunit alpha; plus strand). Cytogenetic location: 9p13.3.
Variant type: single nucleotide variant.
Coding change: c.799G>A on transcript NM_001142784.3 (MANE Select); coding-DNA position 799, G replaced by A.
Protein change: p.Ala267Thr; replaces alanine 267 with threonine.
Molecular consequence: missense variant. On other transcripts: non-coding transcript variant (1).
Genome position (GRCh38, 1-based): chr9:34,658,672, G>A. VCF-style: chr9-34658672-G-A. GRCh37 (hg19) VCF-style: chr9-34658669-G-A.
Other names: short protein forms A267T.
Identifiers: ClinVar variation 4755914 (VCV004755914.1).